The following is an entry in ClinVar:

NM_003924.4(PHOX2B):c.739G>A (p.Ala247Thr)

Genes: PHOX2B (paired like homeobox 2B; minus strand), LOC110011216 (paired like homeobox 2b polyalanine repeat instability region; plus strand). Cytogenetic location: 4p13.
Variant type: single nucleotide variant.
Coding change: c.739G>A on transcript NM_003924.4 (MANE Select); coding-DNA position 739, G replaced by A.
Protein change: p.Ala247Thr; replaces alanine 247 with threonine.
Molecular consequence: missense variant.
Genome position (GRCh38, 1-based): chr4:41,746,013, C>T on the plus strand (G>A on the coding strand, the complement: PHOX2B is on the minus strand). VCF-style: chr4-41746013-C-T. GRCh37 (hg19) VCF-style: chr4-41748030-C-T.
Other names: c.739G>A (NM_003924.3); short protein forms A247T.
Identifiers: ClinVar variation 1046758 (VCV001046758.9), dbSNP rs1733881500, ClinGen allele CA356737225.
Genomic context (GRCh38, chr4:41,746,013, plus strand): 5'-CAGCCGCAGCCAGGCCTCCAGCTGCCGCCGCTGCCGCTGCCGCCGCCGCCGCTGCCGCGG[C>T]CGCCGCCGCTGCTGCTGCGCCGCCCTTGCCGGGTTCGCCTCCCGGGCCCCCGGGCCCCGC-3'
Protein context (NP_003915.2, residues 237-257): GKGGAAAAAA[Ala247Thr]AAAAAAAAAA

ClinVar aggregate classification (germline): Uncertain significance. Review status: criteria provided, multiple submitters, no conflicts (2 of 4 stars). 2 submissions from 2 submitters: Uncertain significance (2). Last evaluated 2024-04-22.

Conditions:
Hereditary cancer-predisposing syndrome. Also called: Hereditary Cancer Syndrome; Tumor predisposition; Hereditary neoplastic syndrome; Neoplastic Syndromes, Hereditary. Identifiers: Orphanet 140162, MedGen C0027672, MeSH D009386, MONDO:0015356.
Haddad syndrome (OHD). Also called: Ondine-Hirschsprung disease. Identifiers: Orphanet 99803, MedGen C1859049, MONDO:0020493.

Submissions (2):

Ambry Genetics
Classification: Uncertain significance for Hereditary cancer-predisposing syndrome. Last evaluated: 2024-04-22. Review status: criteria provided, single submitter. Criteria: Ambry Variant Classification Scheme 2023. Collection method: clinical testing. Allele origin: germline.
Comment: The p.A247T variant (also known as c.739G>A), located in coding exon 3 of the PHOX2B gene, results from a G to A substitution at nucleotide position 739. The alanine at codon 247 is replaced by threonine, an amino acid with similar properties. This amino acid position is conserved. In addition, this alteration is predicted to be tolerated by in silico analysis. Based on the available evidence, the clinical significance of this variant remains unclear.

Labcorp Genetics (formerly Invitae), Labcorp
Classification: Uncertain significance for Haddad syndrome. Last evaluated: 2022-12-01. Review status: criteria provided, single submitter. Criteria: Invitae Variant Classification Sherloc (09022015). Collection method: clinical testing. Allele origin: germline.
Comment: This variant is not present in population databases (gnomAD no frequency). This sequence change replaces alanine, which is neutral and non-polar, with threonine, which is neutral and polar, at codon 247 of the PHOX2B protein (p.Ala247Thr). In summary, the available evidence is currently insufficient to determine the role of this variant in disease. Therefore, it has been classified as a Variant of Uncertain Significance. Algorithms developed to predict the effect of missense changes on protein structure and function are either unavailable or do not agree on the potential impact of this missense change (SIFT: "Deleterious"; PolyPhen-2: "Not Available"; Align-GVGD: "Class C0"). ClinVar contains an entry for this variant (Variation ID: 1046758). This variant has not been reported in the literature in individuals affected with PHOX2B-related conditions.